The following is an entry in ClinVar:

NM_004006.3(DMD):c.4072-12C>T

Gene: DMD (dystrophin; minus strand). Cytogenetic location: Xp21.1.
Variant type: single nucleotide variant.
Coding change: c.4072-12C>T on transcript NM_004006.3 (MANE Select); 12 bases into the intron before coding-DNA position 4072, C replaced by T.
Molecular consequence: intron variant.
Genome position (GRCh38, 1-based): chrX:32,411,925, G>A on the plus strand (C>T on the coding strand, the complement: DMD is on the minus strand). VCF-style: chrX-32411925-G-A. GRCh37 (hg19) VCF-style: chrX-32430042-G-A.
Other names: c.4048-12C>T (NM_000109.4); c.49-12C>T (NM_004011.4); c.40-12C>T (NM_004012.4); c.4060-12C>T (NM_004009.3); c.3703-12C>T (NM_004010.3).
Identifiers: ClinVar variation 509510 (VCV000509510.12), dbSNP rs755069008, ClinGen allele CA10379048.

ClinVar aggregate classification (germline): Benign/Likely benign. Review status: criteria provided, multiple submitters, no conflicts (2 of 4 stars). 4 submissions from 4 submitters: Benign (2); Likely benign (2). Last evaluated 2026-02-02.

Conditions:
Duchenne muscular dystrophy (DMD). Also called: MUSCULAR DYSTROPHY, PSEUDOHYPERTROPHIC PROGRESSIVE, DUCHENNE TYPE; Duchenne Muscular Dystrophy (DMD). Identifiers: Orphanet 98896, MedGen C0013264, MONDO:0010679, OMIM 310200.

Allele frequency attached by ClinVar (database versions not stated): gnomAD below 0.00001 and 0.00013; gnomAD exomes 0.00027 and 0.00046; ExAC 0.00049; 1000 Genomes Project 30x 0.00083; 1000 Genomes Project 0.00106.
gnomAD v4.1: 306 of 1,206,745 alleles (0.025%); highest among the groups gnomAD compares: South Asian, 0.51%; 5 homozygotes.

Submissions (4):

Labcorp Genetics (formerly Invitae), Labcorp
Classification: Benign for Duchenne muscular dystrophy. Last evaluated: 2026-02-02. Review status: criteria provided, single submitter. Criteria: Invitae Variant Classification Sherloc (09022015). Collection method: clinical testing. Allele origin: germline.

Women's Health and Genetics/Laboratory Corporation of America, LabCorp
Classification: Benign. Last evaluated: 2025-07-03. Review status: criteria provided, single submitter. Criteria: LabCorp Variant Classification Summary - May 2015. Collection method: clinical testing. Allele origin: germline.

Blueprint Genetics
Classification: Likely benign. Last evaluated: 2024-06-19. Review status: criteria provided, single submitter. Criteria: ACMG Guidelines, 2015. Collection method: clinical testing. Allele origin: germline.

GeneDx
Classification: Likely benign. Last evaluated: 2017-05-10. Review status: criteria provided, single submitter. Criteria: GeneDx Variant Classification (06012015). Collection method: clinical testing. Allele origin: germline. Affected: yes.
Comment: This variant is considered likely benign or benign based on one or more of the following criteria: it is a conservative change, it occurs at a poorly conserved position in the protein, it is predicted to be benign by multiple in silico algorithms, and/or has population frequency not consistent with disease.